The following is an entry in ClinVar:

ClinVar aggregate classification (germline): Conflicting classifications of pathogenicity. Review status: criteria provided, conflicting classifications (1 of 4 stars). 2 submissions from 2 submitters: Uncertain significance (1); Likely benign (1). Last evaluated 2025-01-06.

Conditions:
CASK-related disorder. Also called: CASK-related disorders; CASK-related condition.
Intellectual disability, CASK-related, X-linked. Identifiers: MedGen CN043158.

Allele frequency attached by ClinVar (database versions not stated): ExAC 0.00001; gnomAD 0.00001; TOPMed 0.00003.
gnomAD v4.1: 8 of 1,140,780 alleles (0.0007%); highest among the groups gnomAD compares: Non-Finnish European, 0.0006%; no homozygotes.

Submissions (2):

Labcorp Genetics (formerly Invitae), Labcorp
Classification: Likely benign for Intellectual disability, CASK-related, X-linked. Last evaluated: 2025-01-06. Review status: criteria provided, single submitter. Criteria: Invitae Variant Classification Sherloc (09022015). Collection method: clinical testing. Allele origin: germline.

Illumina Laboratory Services, Illumina
Classification: Uncertain significance for CASK-related disorders. Last evaluated: 2021-06-16. Review status: criteria provided, single submitter. Criteria: ICSLVariantClassificationCriteria RUGD 01 April 2020. Collection method: clinical testing. Allele origin: unknown.
Comment: The CASK c.2155+4G>A variant is a splice region variant. A literature search was performed for the gene and cDNA change. No publications were found based on this search. This variant is reported at a frequency of 0.000037 in the European (non-Finnish) population of the Genome Aggregation Database (version 2.1.1). Based on the available evidence, the c.2155+4G>A variant is classified as a variant of uncertain significance for CASK-related disorders.

NM_001367721.1(CASK):c.2155+4G>A

Gene: CASK (calcium/calmodulin dependent serine protein kinase; minus strand). Cytogenetic location: Xp11.4.
Variant type: single nucleotide variant.
Coding change: c.2155+4G>A on transcript NM_001367721.1 (MANE Select); 4 bases into the intron after coding-DNA position 2155, G replaced by A.
Molecular consequence: intron variant.
Genome position (GRCh38, 1-based): chrX:41,542,687, C>T on the plus strand (G>A on the coding strand, the complement: CASK is on the minus strand). VCF-style: chrX-41542687-C-T. GRCh37 (hg19) VCF-style: chrX-41401940-C-T.
Other names: c.2068+4G>A (NM_001126055.3); c.2137+4G>A (NM_001410745.1); c.2086+4G>A (NM_001126054.3); c.2155+4G>A (NM_003688.4).
Identifiers: ClinVar variation 537751 (VCV000537751.13), dbSNP rs749155089, ClinGen allele CA10390075.